The following is an entry in ClinVar:

NM_001035.3(RYR2):c.2941A>G (p.Met981Val)

Gene: RYR2 (ryanodine receptor 2; plus strand). Cytogenetic location: 1q43.
Variant type: single nucleotide variant.
Coding change: c.2941A>G on transcript NM_001035.3 (MANE Select); coding-DNA position 2941, A replaced by G.
Protein change: p.Met981Val; replaces methionine 981 with valine.
Molecular consequence: missense variant.
Genome position (GRCh38, 1-based): chr1:237,548,465, A>G. VCF-style: chr1-237548465-A-G. GRCh37 (hg19) VCF-style: chr1-237711765-A-G.
Other names: short protein forms M981V.
Identifiers: ClinVar variation 806396 (VCV000806396.27), dbSNP rs768893657, ClinGen allele CA086244.

ClinVar aggregate classification (germline): Uncertain significance. Review status: criteria provided, multiple submitters, no conflicts (2 of 4 stars). 4 submissions from 4 submitters: Uncertain significance (4). Last evaluated 2025-05-01.

Conditions:
Cardiovascular phenotype. Identifiers: MedGen CN230736.
Cardiomyopathy (CMYO). Also called: Cardiomyopathies. Identifiers: Orphanet 167848, MedGen C0878544, MONDO:0004994, HP:0001638. Inheritance: Various modes of inheritance.
Catecholaminergic polymorphic ventricular tachycardia 1. Also called: VENTRICULAR TACHYCARDIA, CATECHOLAMINERGIC POLYMORPHIC, 1, WITH OR WITHOUT ATRIAL DYSFUNCTION AND/OR DILATED CARDIOMYOPATHY; VENTRICULAR TACHYCARDIA, STRESS-INDUCED POLYMORPHIC 1; RYR2-Related Catecholaminergic Polymorphic Ventricular Tachycardia. Identifiers: Orphanet 3286, MedGen C1631597, MONDO:0011484, OMIM 604772.

Allele frequency attached by ClinVar (database versions not stated): TOPMed below 0.00001; ExAC 0.00001; gnomAD 0.00001; gnomAD exomes 0.00001.
gnomAD v4.1: 3 of 1,613,882 alleles (0.00019%); highest among the groups gnomAD compares: Admixed American, 0.0017%; no homozygotes.

Submissions (4):

Labcorp Genetics (formerly Invitae), Labcorp
Classification: Uncertain significance for Catecholaminergic polymorphic ventricular tachycardia 1. Last evaluated: 2025-05-01. Review status: criteria provided, single submitter. Criteria: Invitae Variant Classification Sherloc (09022015). Collection method: clinical testing. Allele origin: germline.
Comment: This sequence change replaces methionine, which is neutral and non-polar, with valine, which is neutral and non-polar, at codon 981 of the RYR2 protein (p.Met981Val). This variant is present in population databases (rs768893657, gnomAD 0.003%). This variant has not been reported in the literature in individuals affected with RYR2-related conditions. ClinVar contains an entry for this variant (Variation ID: 806396). Invitae Evidence Modeling of protein sequence and biophysical properties (such as structural, functional, and spatial information, amino acid conservation, physicochemical variation, residue mobility, and thermodynamic stability) indicates that this missense variant is not expected to disrupt RYR2 protein function with a negative predictive value of 95%. In summary, the available evidence is currently insufficient to determine the role of this variant in disease. Therefore, it has been classified as a Variant of Uncertain Significance.

Color Diagnostics, LLC DBA Color Health
Classification: Uncertain significance for Cardiomyopathy. Last evaluated: 2024-02-06. Review status: criteria provided, single submitter. Criteria: ACMG Guidelines, 2015. Collection method: clinical testing. Allele origin: germline.
Comment: This missense variant replaces methionine with valine at codon 981 of the RYR2 protein. Computational prediction suggests that this variant may not impact protein structure and function. To our knowledge, functional studies have not been reported for this variant. This variant has not been reported in individuals affected with RYR2-related disorders in the literature. This variant has been identified in 2/249118 chromosomes in the general population by the Genome Aggregation Database (gnomAD). The available evidence is insufficient to determine the role of this variant in disease conclusively. Therefore, this variant is classified as a Variant of Uncertain Significance.

Ambry Genetics
Classification: Uncertain significance for Cardiovascular phenotype. Last evaluated: 2022-08-10. Review status: criteria provided, single submitter. Criteria: Ambry Variant Classification Scheme 2023. Collection method: clinical testing. Allele origin: germline.
Comment: The p.M981V variant (also known as c.2941A>G), located in coding exon 26 of the RYR2 gene, results from an A to G substitution at nucleotide position 2941. The methionine at codon 981 is replaced by valine, an amino acid with highly similar properties. This amino acid position is not well conserved in available vertebrate species. In addition, this alteration is predicted to be tolerated by in silico analysis. Since supporting evidence is limited at this time, the clinical significance of this alteration remains unclear.

ARUP Laboratories, Molecular Genetics and Genomics, ARUP Laboratories
Classification: Uncertain significance. Last evaluated: 2018-09-26. Review status: criteria provided, single submitter. Criteria: ARUP Molecular Germline Variant Investigation Process. Collection method: clinical testing. Allele origin: germline.
Comment: The RYR2 c.2941A>G; p.Met981Val variant (rs768893657), to our knowledge, is not reported in the medical literature or gene specific databases. This variant is only observed on two alleles in the Genome Aggregation Database, indicating it is not a common polymorphism. The methionine at codon 981 is highly conserved, but computational analyses (SIFT, PolyPhen-2) predict that this variant is tolerated. Due to limited information, the clinical significance of the p.Met981Val variant is uncertain at this time.